The following is an entry in ClinVar:

NM_173728.4(ARHGEF15):c.2107G>A (p.Gly703Arg)

Gene: ARHGEF15 (Rho guanine nucleotide exchange factor 15; plus strand). Cytogenetic location: 17p13.1.
Variant type: single nucleotide variant.
Coding change: c.2107G>A on transcript NM_173728.4 (MANE Select); coding-DNA position 2107, G replaced by A.
Protein change: p.Gly703Arg; replaces glycine 703 with arginine.
Molecular consequence: missense variant.
Genome position (GRCh38, 1-based): chr17:8,319,080, G>A. VCF-style: chr17-8319080-G-A. GRCh37 (hg19) VCF-style: chr17-8222398-G-A.
Other names: c.2107G>A, p.Gly703Arg (NM_025014.2); short protein forms G703R.
Identifiers: ClinVar variation 2098500 (VCV002098500.4), dbSNP rs2543949134, ClinGen allele CA398024508.

ClinVar aggregate classification (germline): Uncertain significance (1 of 4 stars; one submission).

Conditions:
Early-infantile DEE. Also called: Early infantile epileptic encephalopathy; Early infantile epileptic encephalopathy with suppression bursts; Ohtahara syndrome. Identifiers: Orphanet 1934, MedGen C0393706, MONDO:0800491.

Submission:

Labcorp Genetics (formerly Invitae), Labcorp
Classification: Uncertain significance for Early-infantile DEE. Last evaluated: 2022-10-17. Review status: criteria provided, single submitter. Criteria: Invitae Variant Classification Sherloc (09022015). Collection method: clinical testing. Allele origin: germline.
Comment: This sequence change replaces glycine, which is neutral and non-polar, with arginine, which is basic and polar, at codon 703 of the ARHGEF15 protein (p.Gly703Arg). This variant is not present in population databases (gnomAD no frequency). This variant has not been reported in the literature in individuals affected with ARHGEF15-related conditions. Algorithms developed to predict the effect of missense changes on protein structure and function are either unavailable or do not agree on the potential impact of this missense change (SIFT: "Deleterious"; PolyPhen-2: "Benign"; Align-GVGD: "Class C65"). In summary, the available evidence is currently insufficient to determine the role of this variant in disease. Therefore, it has been classified as a Variant of Uncertain Significance.